The following is an entry in ClinVar:

NM_144687.4(NLRP12):c.2258G>A (p.Arg753His)

Gene: NLRP12 (NLR family pyrin domain containing 12; minus strand). Cytogenetic location: 19q13.42.
Variant type: single nucleotide variant.
Coding change: c.2258G>A on transcript NM_144687.4 (MANE Select); coding-DNA position 2258, G replaced by A.
Protein change: p.Arg753His; replaces arginine 753 with histidine.
Molecular consequence: missense variant.
Genome position (GRCh38, 1-based): chr19:53,805,436, C>T on the plus strand (G>A on the coding strand, the complement: NLRP12 is on the minus strand). VCF-style: chr19-53805436-C-T. GRCh37 (hg19) VCF-style: chr19-54308690-C-T.
Other names: p.Arg753His; c.2261G>A, p.Arg754His (NM_001277126.2); c.2258G>A, p.Arg753His (NM_001277129.1); short protein forms R754H, R753H.
Identifiers: ClinVar variation 719727 (VCV000719727.19), dbSNP rs148745997, ClinGen allele CA9639131.

ClinVar aggregate classification (germline): Conflicting classifications of pathogenicity. Review status: criteria provided, conflicting classifications (1 of 4 stars). 6 submissions from 6 submitters: Uncertain significance (2); Benign (3); Likely benign (1). Last evaluated 2025-12-22.

Conditions:
Autoinflammatory syndrome. Identifiers: Orphanet 93665, MedGen C3890737, MONDO:0019751.
Familial cold autoinflammatory syndrome 2 (FCAS2). Identifiers: Orphanet 247868, MedGen C2673198, MONDO:0012724, OMIM 611762.

Allele frequency attached by ClinVar (database versions not stated): ESP Exome Variant Server 0.00008; gnomAD 0.00022; TOPMed 0.00037; 1000 Genomes Project 30x 0.00109; 1000 Genomes Project 0.00120.
gnomAD v4.1: 220 of 1,613,666 alleles (0.014%); highest among the groups gnomAD compares: East Asian, 0.39%; no homozygotes.

Submissions (6):

Labcorp Genetics (formerly Invitae), Labcorp
Classification: Benign for Familial cold autoinflammatory syndrome 2. Last evaluated: 2025-12-22. Review status: criteria provided, single submitter. Criteria: Invitae Variant Classification Sherloc (09022015). Collection method: clinical testing. Allele origin: germline.

Mayo Clinic Laboratories, Mayo Clinic
Classification: Uncertain significance. Last evaluated: 2025-03-11. Review status: criteria provided, single submitter. Criteria: ACMG Guidelines, 2015. Collection method: clinical testing. Allele origin: germline. Observed: 1 variant allele.
Comment: BS1, BP4_moderate, PP1_strong

Blueprint Genetics
Classification: Likely benign. Last evaluated: 2024-10-09. Review status: criteria provided, single submitter. Criteria: ACMG Guidelines, 2015. Collection method: clinical testing. Allele origin: germline.

Genome Diagnostics Laboratory, The Hospital for Sick Children
Classification: Uncertain significance for Autoinflammatory syndrome. Last evaluated: 2018-05-01. Review status: criteria provided, single submitter. Criteria: ACMG Guidelines, 2015. Collection method: clinical testing. Allele origin: germline. Affected: yes.

Illumina Laboratory Services, Illumina
Classification: Benign for Familial cold autoinflammatory syndrome 2. Last evaluated: 2018-01-12. Review status: criteria provided, single submitter. Criteria: ICSL Variant Classification Criteria 13 December 2019. Collection method: clinical testing. Allele origin: germline.
Comment: This variant was observed in the ICSL laboratory as part of a predisposition screen in an ostensibly healthy population. It had not been previously curated by ICSL or reported in the Human Gene Mutation Database (HGMD: prior to June 1st, 2018), and was therefore a candidate for classification through an automated scoring system. Utilizing variant allele frequency, disease prevalence and penetrance estimates, and inheritance mode, an automated score was calculated to assess if this variant is too frequent to cause the disease. Based on the score and internal cut-off values, a variant classified as benign is not then subjected to further curation. The score for this variant resulted in a classification of benign for this disease.

Breakthrough Genomics
Classification: Benign. Review status: criteria provided, single submitter. Criteria: ACMG Guidelines, 2015. Collection method: not provided. Allele origin: germline. Inheritance: Autosomal dominant inheritance. Affected: yes.

Literature cited by the submitters: PubMed 29500522 (cited by Mayo Clinic Laboratories, Mayo Clinic); PubMed 35852776 (cited by Mayo Clinic Laboratories, Mayo Clinic).